The following is an entry in ClinVar:

ClinVar aggregate classification (germline): Pathogenic. Review status: criteria provided, multiple submitters, no conflicts (2 of 4 stars). 5 submissions from 5 submitters: Pathogenic (4). 1 of the submissions does not count toward it. Last evaluated 2025-12-17.

Conditions:
Hereditary cancer-predisposing syndrome. Also called: Tumor predisposition; Hereditary Cancer Syndrome; Hereditary neoplastic syndrome; Neoplastic Syndromes, Hereditary. Identifiers: Orphanet 140162, MedGen C0027672, MeSH D009386, MONDO:0015356.
Familial cancer of breast. Also called: hereditary breast carcinoma; BREAST CANCER, FAMILIAL; Hereditary breast cancer. Identifiers: Orphanet 227535, MedGen C0346153, MONDO:0016419, OMIM 114480. Disease mechanism: loss of function.

Submissions (5):

Labcorp Genetics (formerly Invitae), Labcorp
Classification: Pathogenic for Familial cancer of breast. Last evaluated: 2025-12-17. Review status: criteria provided, single submitter. Criteria: Invitae Variant Classification Sherloc (09022015). Collection method: clinical testing. Allele origin: germline.
Comment: This sequence change creates a premature translational stop signal (p.Pro207Glnfs*16) in the PALB2 gene. It is expected to result in an absent or disrupted protein product. Loss-of-function variants in PALB2 are known to be pathogenic (PMID: 17200668, 17200671, 17200672, 24136930, 25099575). This variant is not present in population databases (gnomAD no frequency). This variant has not been reported in the literature in individuals affected with PALB2-related conditions. ClinVar contains an entry for this variant (Variation ID: 487411). For these reasons, this variant has been classified as Pathogenic.

Myriad Genetics, Inc.
Classification: Pathogenic for Familial cancer of breast. Last evaluated: 2023-03-30. Review status: criteria provided, single submitter. Criteria: Myriad Autosomal Dominant, Autosomal Recessive and X-Linked Classification Criteria (2023). Collection method: clinical testing. Allele origin: unknown.
Comment: This variant is considered pathogenic. This variant creates a frameshift predicted to result in premature protein truncation.

Ambry Genetics
Classification: Pathogenic for Hereditary cancer-predisposing syndrome. Last evaluated: 2022-11-02. Review status: criteria provided, single submitter. Criteria: Ambry Variant Classification Scheme 2023. Collection method: clinical testing. Allele origin: germline.
Comment: The c.620delC pathogenic mutation, located in coding exon 4 of the PALB2 gene, results from a deletion of one nucleotide at nucleotide position 620, causing a translational frameshift with a predicted alternate stop codon (p.P207Qfs*16). This variant is considered to be rare based on population cohorts in the Genome Aggregation Database (gnomAD). This alteration is expected to result in loss of function by premature protein truncation or nonsense-mediated mRNA decay. As such, this alteration is interpreted as a disease-causing mutation.

GeneDx
Classification: Pathogenic. Last evaluated: 2018-05-24. Review status: criteria provided, single submitter. Criteria: GeneDx Variant Classification (06012015). Collection method: clinical testing. Allele origin: germline. Affected: yes.
Comment: This deletion of one nucleotide in PALB2 is denoted c.620delC at the cDNA level and p.Pro207GlnfsX16 (P207QfsX16) at the protein level. The normal sequence, with the base that is deleted in brackets, is CTTC[delC]AGAT. The deletion causes a frameshift which changes a Proline to a Glutamine at codon 207, and creates a premature stop codon at position 16 of the new reading frame. Although this variant has not, to our knowledge, been reported in the literature as a germline variant, it is predicted to cause loss of normal protein function through either protein truncation or nonsense-mediated mRNA decay. We consider this variant to be pathogenic.

Counsyl
Classification: Likely pathogenic for Familial cancer of breast. Last evaluated: 2016-12-12. Review status: no assertion criteria provided. Collection method: clinical testing. Allele origin: unknown. Not counted in ClinVar's aggregate classification.

Literature cited by the submitters: PubMed 17200668 (cited by Labcorp Genetics (formerly Invitae), Labcorp); PubMed 17200671 (cited by Labcorp Genetics (formerly Invitae), Labcorp); PubMed 17200672 (cited by Labcorp Genetics (formerly Invitae), Labcorp); PubMed 24136930 (cited by Labcorp Genetics (formerly Invitae), Labcorp); PubMed 25099575 (cited by Labcorp Genetics (formerly Invitae), Labcorp).

NM_024675.4(PALB2):c.620del (p.Pro207fs)

Gene: PALB2 (partner and localizer of BRCA2; minus strand). Cytogenetic location: 16p12.2.
Variant type: Deletion.
Coding change: c.620del on transcript NM_024675.4 (MANE Select); coding-DNA position 620, one base deleted (C; older notation c.620delC).
Protein change: p.Pro207fs; shifts the reading frame from proline 207.
Molecular consequence: frameshift variant.
Genome position (GRCh38, 1-based): chr16:23,635,926, G deleted on the plus strand (C on the coding strand, the reverse complement: PALB2 is on the minus strand); the first of 2 consecutive G bases (chr16:23,635,926-23,635,927); deleting either gives the same sequence. VCF-style (leftmost placement, unchanged base first): chr16-23635925-TG-T. GRCh37 (hg19) VCF-style: chr16-23647246-TG-T.
Other names: c.620delC (NM_024675.3); short protein forms P207fs.
Identifiers: ClinVar variation 487411 (VCV000487411.10), dbSNP rs1555461704, ClinGen allele CA658658443.